The following is an entry in ClinVar:

ClinVar aggregate classification (germline): Uncertain significance (1 of 4 stars; one submission).

gnomAD v4.1: 12 of 1,292,112 alleles (0.00093%); highest among the groups gnomAD compares: Non-Finnish European, 0.0012%; no homozygotes.

Submission:

CeGaT Center for Human Genetics Tuebingen
Classification: Uncertain significance. Last evaluated: 2026-04-01. Review status: criteria provided, single submitter. Criteria: CeGaT Center For Human Genetics Tuebingen Variant Classification Criteria Version 2. Collection method: clinical testing. Allele origin: germline. Affected: yes. Observed: 1 variant allele.
Comment: GATA5: PM2, BP4

NM_080473.5(GATA5):c.-5G>A

Gene: GATA5 (GATA binding protein 5; minus strand). Cytogenetic location: 20q13.33.
Variant type: single nucleotide variant.
Coding change: c.-5G>A on transcript NM_080473.5 (MANE Select); 5 bases upstream of the start codon, G replaced by A.
Molecular consequence: 5 prime UTR variant.
Genome position (GRCh38, 1-based): chr20:62,475,526, C>T on the plus strand (G>A on the coding strand, the complement: GATA5 is on the minus strand). VCF-style: chr20-62475526-C-T. GRCh37 (hg19) VCF-style: chr20-61050582-C-T.
Identifiers: ClinVar variation 4873378 (VCV004873378.2).